The following is an entry in ClinVar:

NM_001080512.3(BICC1):c.586C>T (p.Arg196Ter)

Gene: BICC1 (BicC family RNA binding protein 1; plus strand). Cytogenetic location: 10q21.1.
Variant type: single nucleotide variant.
Coding change: c.586C>T on transcript NM_001080512.3 (MANE Select); coding-DNA position 586, C replaced by T.
Protein change: p.Arg196Ter; replaces arginine 196 with a stop codon.
Molecular consequence: nonsense.
Genome position (GRCh38, 1-based): chr10:58,788,409, C>T. VCF-style: chr10-58788409-C-T. GRCh37 (hg19) VCF-style: chr10-60548169-C-T.
Other names: short protein forms R196*.
Identifiers: ClinVar variation 3683363 (VCV003683363.2).

ClinVar aggregate classification (germline): Uncertain significance (1 of 4 stars; one submission).

Submission:

Labcorp Genetics (formerly Invitae), Labcorp
Classification: Uncertain significance. Last evaluated: 2024-10-28. Review status: criteria provided, single submitter. Criteria: Invitae Variant Classification Sherloc (09022015). Collection method: clinical testing. Allele origin: germline.
Comment: This sequence change creates a premature translational stop signal (p.Arg196*) in the BICC1 gene. It is expected to result in an absent or disrupted protein product. However, the current clinical and genetic evidence is not sufficient to establish whether loss-of-function variants in BICC1 cause disease. This variant is not present in population databases (gnomAD no frequency). This variant has not been reported in the literature in individuals affected with BICC1-related conditions. In summary, the available evidence is currently insufficient to determine the role of this variant in disease. Therefore, it has been classified as a Variant of Uncertain Significance.